The following is an entry in ClinVar:

NM_001048174.2(MUTYH):c.449G>C (p.Gly150Ala)

Gene: MUTYH (mutY DNA glycosylase; minus strand). Cytogenetic location: 1p34.1.
Variant type: single nucleotide variant.
Coding change: c.449G>C on transcript NM_001048174.2 (MANE Select); coding-DNA position 449, G replaced by C.
Protein change: p.Gly150Ala; replaces glycine 150 with alanine.
Molecular consequence: missense variant. On other transcripts: non-coding transcript variant (2).
Genome position (GRCh38, 1-based): chr1:45,332,806, C>G on the plus strand (G>C on the coding strand, the complement: MUTYH is on the minus strand). VCF-style: chr1-45332806-C-G. GRCh37 (hg19) VCF-style: chr1-45798478-C-G.
Other names: c.449G>C, p.Gly150Ala (NM_001048171.2, NM_001048173.2, NM_001293195.2); c.452G>C, p.Gly151Ala (NM_001048172.2); c.533G>C, p.Gly178Ala (NM_001128425.2); c.494G>C, p.Gly165Ala (NM_001293190.2); c.482G>C, p.Gly161Ala (NM_001293191.2); c.173G>C, p.Gly58Ala (NM_001293192.2, NM_001293196.2); c.104G>C, p.Gly35Ala (NM_001350650.2, NM_001350651.2); c.524G>C, p.Gly175Ala (NM_012222.3); short protein forms G178A, G151A, G161A, G35A, G150A, G165A, G175A, G58A.
Identifiers: ClinVar variation 481808 (VCV000481808.18), dbSNP rs1553128962, ClinGen allele CA340135730.
Genomic context (GRCh38, chr1:45,332,806, plus strand): 5'-TCCTGCCATCCCCTTACCTTCCGAGCTCCCTCCTGCAGCCGCCGGCCACGAGAATAGTAG[C>G]CCAGGCCAGCCCAGAGTTGATTCACCTCCTGTGGGTAGGATCAGAGGTCAAAGAGATCAC-3'
Protein context (NP_001041639.1, residues 140-160): EEVNQLWAGL[Gly150Ala]YYSRGRRLQE

ClinVar aggregate classification (germline): Conflicting classifications of pathogenicity. Review status: criteria provided, conflicting classifications (1 of 4 stars). 3 submissions from 3 submitters: Likely pathogenic (2); Uncertain significance (1). Last evaluated 2026-08-31.

Conditions:
Familial adenomatous polyposis 2. Also called: MYH-associated polyposis; Adenomas, multiple colorectal; MUTYH-associated polyposis; MUTYH Polyposis; COLORECTAL ADENOMATOUS POLYPOSIS, AUTOSOMAL RECESSIVE; ADENOMAS, MULTIPLE COLORECTAL, AUTOSOMAL RECESSIVE. Identifiers: Orphanet 220460, Orphanet 247798, MedGen C3272841, MONDO:0012041, OMIM 608456.
Hereditary cancer-predisposing syndrome. Also called: Tumor predisposition; Neoplastic Syndromes, Hereditary; Hereditary Cancer Syndrome; Hereditary neoplastic syndrome. Identifiers: Orphanet 140162, MedGen C0027672, MeSH D009386, MONDO:0015356.

gnomAD v4.1: 2 of 1,614,174 alleles (0.00012%); highest among the groups gnomAD compares: Non-Finnish European, 0.000085%; no homozygotes.

Submissions (3):

Myriad Genetics, Inc.
Classification: Likely pathogenic for Familial adenomatous polyposis 2. Last evaluated: 2026-08-31. Review status: criteria provided, single submitter. Criteria: Myriad Autosomal Dominant, Autosomal Recessive and X-Linked Classification Criteria (2023). Collection method: clinical testing. Allele origin: unknown.
Comment: This variant is considered likely pathogenic. Functional studies indicate this variant impacts protein function [PMID: 40738107]. This variant is expected to disrupt protein structure [Myriad internal data]. This variant has been reported in an individual with clinical features of gene-specific disease [PMID: 39793275].

Labcorp Genetics (formerly Invitae), Labcorp
Classification: Uncertain significance for Familial adenomatous polyposis 2. Last evaluated: 2025-09-04. Review status: criteria provided, single submitter. Criteria: Invitae Variant Classification Sherloc (09022015). Collection method: clinical testing. Allele origin: germline.
Comment: This sequence change replaces glycine, which is neutral and non-polar, with alanine, which is neutral and non-polar, at codon 178 of the MUTYH protein (p.Gly178Ala). This variant is not present in population databases (gnomAD no frequency). This variant has not been reported in the literature in individuals affected with MUTYH-related conditions. ClinVar contains an entry for this variant (Variation ID: 481808). An algorithm developed to predict the effect of missense changes on protein structure and function (PolyPhen-2) suggests that this variant is likely to be disruptive. In summary, the available evidence is currently insufficient to determine the role of this variant in disease. Therefore, it has been classified as a Variant of Uncertain Significance.

Ambry Genetics
Classification: Likely pathogenic for Hereditary cancer-predisposing syndrome. Last evaluated: 2025-08-15. Review status: criteria provided, single submitter. Criteria: Ambry Variant Classification Scheme 2023. Collection method: clinical testing. Allele origin: germline.
Comment: The p.G178A variant (also known as c.533G>C), located in coding exon 7 of the MUTYH gene, results from a G to C substitution at nucleotide position 533. The glycine at codon 178 is replaced by alanine, an amino acid with similar properties. In a massively parallel cell-based functional assay testing 7,8-dihydro-8- oxoguanine:adenine (8OG:A) repair activity, a byproduct of oxidative damage, this variant was reported to be non-functional (Hemker SL et al. Am J Hum Genet. Published online July 29, 2025. DOI: 10.1016/j.ajhg.2025.07.005). This amino acid position is highly conserved in available vertebrate species. In addition, this alteration is predicted to be deleterious by in silico analysis. This variant is considered to be rare based on population cohorts in the Genome Aggregation Database (gnomAD). Based on the majority of available evidence to date, this variant is likely to be pathogenic.

Literature cited by the submitters: PubMed 40738107 (cited by Myriad Genetics, Inc. and Ambry Genetics); PubMed 39793275 (cited by Myriad Genetics, Inc. and Ambry Genetics).